The following is an entry in ClinVar:

ClinVar aggregate classification (germline): Uncertain significance (1 of 4 stars; one submission).

Conditions:
GNPTAB-mucolipidosis. Also called: UDP-N-acetylglucosamine-1-phosphotransferase subunit alpha/beta deficiency. Identifiers: MedGen CN322573, MONDO:0100122.

Submission:

Myriad Genetics, Inc.
Classification: Uncertain significance for GNPTAB-mucolipidosis. Last evaluated: 2026-02-26. Review status: criteria provided, single submitter. Criteria: Myriad Autosomal Dominant, Autosomal Recessive and X-Linked Classification Criteria (2023). Collection method: clinical testing. Allele origin: unknown.
Comment: NM_024312.4(GNPTAB):c.3731_3733delGGA(R1244del) is an in-frame deletion classified as a variant of uncertain significance in the context of GNPTAB-related disorders. R1244del has not been observed in cases with relevant disease. Relevant functional assessments of this variant are not available in the literature. R1244del has not been observed in referenced population frequency databases. In summary, there is insufficient evidence to classify NM_024312.4(GNPTAB):c.3731_3733delGGA(R1244del) as pathogenic or benign. Please note: this variant was assessed in the context of healthy population screening.

NM_024312.5(GNPTAB):c.3728GGA[1] (p.Arg1244del)

Gene: GNPTAB (N-acetylglucosamine-1-phosphate transferase subunits alpha and beta; minus strand). Cytogenetic location: 12q23.2.
Variant type: Microsatellite.
Coding change: c.3728GGA[1] on transcript NM_024312.5 (MANE Select); one copy of the 3-base unit GGA starting at c.3728; the reference has two copies in a row; one copy, 3 bases deleted.
Protein change: p.Arg1244del; deletes arginine 1244.
Molecular consequence: inframe deletion.
Genome position (GRCh38, 1-based): chr12:101,747,202-101,747,204, TCC deleted on the plus strand (GGA on the coding strand, the reverse complement: GNPTAB is on the minus strand); deleting any 3 consecutive bases within chr12:101,747,202-101,747,208 gives the same sequence; the position shown is the placement nearest the transcript's 3' end. VCF-style (leftmost placement, unchanged base first): chr12-101747201-ATCC-A. GRCh37 (hg19) VCF-style: chr12-102140979-ATCC-A.
Other names: short protein forms R1244del.
Identifiers: ClinVar variation 5004484 (VCV005004484.1).